The following is an entry in ClinVar:

ClinVar aggregate classification (germline): Pathogenic (1 of 4 stars; one submission).

Conditions:
Marfan syndrome (MFS). Also called: MARFAN SYNDROME, TYPE I; Marfan syndrome type 1; Marfan's syndrome; Marfan syndrome, classic; FBN1-Related Marfan Syndrome. Identifiers: Orphanet 284963, Orphanet 558, MedGen C0024796, MONDO:0007947, OMIM 154700.
Familial thoracic aortic aneurysm and aortic dissection (TAAD). Also called: Thoracic aortic aneurysms and dissections. Identifiers: Orphanet 91387, MedGen C4707243, MONDO:0019625.

Submission:

Labcorp Genetics (formerly Invitae), Labcorp
Classification: Pathogenic for Marfan syndrome; Familial thoracic aortic aneurysm and aortic dissection. Last evaluated: 2024-04-03. Review status: criteria provided, single submitter. Criteria: Invitae Variant Classification Sherloc (09022015). Collection method: clinical testing. Allele origin: germline.
Comment: This sequence change creates a premature translational stop signal (p.Gly668Argfs*13) in the FBN1 gene. It is expected to result in an absent or disrupted protein product. Loss-of-function variants in FBN1 are known to be pathogenic (PMID: 17657824, 19293843). This variant is not present in population databases (gnomAD no frequency). This variant has not been reported in the literature in individuals affected with FBN1-related conditions. For these reasons, this variant has been classified as Pathogenic.

Literature cited by the submitters: PubMed 17657824; PubMed 19293843.

NM_000138.5(FBN1):c.2001dup (p.Gly668fs)

Gene: FBN1 (fibrillin 1; minus strand). Cytogenetic location: 15q21.1.
Variant type: Duplication.
Coding change: c.2001dup on transcript NM_000138.5 (MANE Select); coding-DNA position 2001, one base duplicated (A; older notation c.2001dupA).
Protein change: p.Gly668fs; shifts the reading frame from glycine 668.
Molecular consequence: frameshift variant.
Genome position (GRCh38, 1-based): chr15:48,503,899, T duplicated on the plus strand (A on the coding strand, the reverse complement: FBN1 is on the minus strand). VCF-style (leftmost placement, unchanged base first): chr15-48503898-C-CT. GRCh37 (hg19) VCF-style: chr15-48796095-C-CT.
Other names: c.2001dup, p.Gly668fs (NM_001406716.1); short protein forms G668fs.
Identifiers: ClinVar variation 3755668 (VCV003755668.2).